The following is an entry in ClinVar:

NM_201384.3(PLEC):c.5125C>T (p.Leu1709=)

Gene: PLEC (plectin; minus strand). Cytogenetic location: 8q24.3.
Variant type: single nucleotide variant.
Coding change: c.5125C>T on transcript NM_201384.3 (MANE Select); coding-DNA position 5125, C replaced by T.
Protein change: p.Leu1709=; no amino-acid change (leucine 1709 retained).
Molecular consequence: synonymous variant.
Genome position (GRCh38, 1-based): chr8:143,924,804, G>A on the plus strand (C>T on the coding strand, the complement: PLEC is on the minus strand). VCF-style: chr8-143924804-G-A. GRCh37 (hg19) VCF-style: chr8-144998972-G-A.
Other names: c.5206C>T, p.Leu1736= (NM_000445.5); c.5083C>T, p.Leu1695= (NM_201378.4); c.5059C>T, p.Leu1687= (NM_201379.3); c.5536C>T, p.Leu1846= (NM_201380.4); c.5029C>T, p.Leu1677= (NM_201381.3); c.5125C>T, p.Leu1709= (NM_201382.4); c.5137C>T, p.Leu1713= (NM_201383.3).
Identifiers: ClinVar variation 508554 (VCV000508554.8), dbSNP rs782806689, ClinGen allele CA4926424.

ClinVar aggregate classification (germline): Likely benign. Review status: criteria provided, multiple submitters, no conflicts (2 of 4 stars). 2 submissions from 2 submitters: Likely benign (2). Last evaluated 2021-09-30.

Conditions:
Autosomal recessive limb-girdle muscular dystrophy type 2Q (LGMDR17). Also called: MUSCULAR DYSTROPHY, LIMB-GIRDLE, AUTOSOMAL RECESSIVE 17. Identifiers: Orphanet 254361, MedGen C3150989, MONDO:0013390, OMIM 613723.
Epidermolysis bullosa simplex 5C, with pyloric atresia (EBS5C). Also called: Epidermolysis bullosa simplex with pyloric atresia; PLEC-Related Epidermolysis Bullosa with Pyloric Atresia; PLEC1-Related Epidermolysis Bullosa with Pyloric Atresia. Identifiers: Orphanet 158684, MedGen C2677349, MONDO:0012807, OMIM 612138.
Epidermolysis bullosa simplex 5B, with muscular dystrophy (EBS5B). Also called: EPIDERMOLYSIS BULLOSA SIMPLEX AND LIMB-GIRDLE MUSCULAR DYSTROPHY; Epidermolysis bullosa simplex with muscular dystrophy. Identifiers: Orphanet 257, MedGen C2931072, MONDO:0009181, OMIM 226670.
Epidermolysis bullosa simplex with nail dystrophy (EBS5D). Identifiers: MedGen C4225309, MONDO:0014661, OMIM 616487.
Epidermolysis bullosa simplex, Ogna type (EBS5A). Also called: Pidermolysis bullosa simplex 5A, Ogna type; EPIDERMOLYSIS BULLOSA SIMPLEX 5A, OGNA TYPE. Identifiers: Orphanet 79401, MedGen C0432317, MONDO:0007555, OMIM 131950.

Allele frequency attached by ClinVar (database versions not stated): ExAC below 0.00001; gnomAD 0.00001; gnomAD exomes 0.00001.
gnomAD v4.1: 8 of 1,538,872 alleles (0.00052%); highest among the groups gnomAD compares: African/African-American, 0.0014%; no homozygotes.

Submissions (2):

Labcorp Genetics (formerly Invitae), Labcorp
Classification: Likely benign for Autosomal recessive limb-girdle muscular dystrophy type 2Q; Epidermolysis bullosa simplex, Ogna type; Epidermolysis bullosa simplex with nail dystrophy; Epidermolysis bullosa simplex 5C, with pyloric atresia; Epidermolysis bullosa simplex 5B, with muscular dystrophy. Last evaluated: 2021-09-30. Review status: criteria provided, single submitter. Criteria: Invitae Variant Classification Sherloc (09022015). Collection method: clinical testing. Allele origin: germline.

GeneDx
Classification: Likely benign. Last evaluated: 2017-04-04. Review status: criteria provided, single submitter. Criteria: GeneDx Variant Classification (06012015). Collection method: clinical testing. Allele origin: germline. Affected: yes.
Comment: This variant is considered likely benign or benign based on one or more of the following criteria: it is a conservative change, it occurs at a poorly conserved position in the protein, it is predicted to be benign by multiple in silico algorithms, and/or has population frequency not consistent with disease.